The following is an entry in ClinVar:

ClinVar aggregate classification (germline): Uncertain significance (1 of 4 stars; one submission).

Submission:

GeneDx
Classification: Uncertain significance. Last evaluated: 2023-04-14. Review status: criteria provided, single submitter. Criteria: GeneDx Variant Classification Process June 2021. Collection method: clinical testing. Allele origin: germline. Affected: yes.
Comment: Not observed at significant frequency in large population cohorts (gnomAD); In silico analysis supports that this missense variant has a deleterious effect on protein structure/function; Has not been previously published as pathogenic or benign to our knowledge

NM_005573.4(LMNB1):c.1376C>T (p.Thr459Ile)

Gene: LMNB1 (lamin B1; plus strand). Cytogenetic location: 5q23.2.
Variant type: single nucleotide variant.
Coding change: c.1376C>T on transcript NM_005573.4 (MANE Select); coding-DNA position 1376, C replaced by T.
Protein change: p.Thr459Ile; replaces threonine 459 with isoleucine.
Molecular consequence: missense variant. On other transcripts: non-coding transcript variant (2).
Genome position (GRCh38, 1-based): chr5:126,821,125, C>T. VCF-style: chr5-126821125-C-T. GRCh37 (hg19) VCF-style: chr5-126156817-C-T.
Other names: c.746C>T, p.Thr249Ile (NM_001198557.2); short protein forms T249I, T459I.
Identifiers: ClinVar variation 2662091 (VCV002662091.1), dbSNP rs1170437008, ClinGen allele CA360728099.